The following is an entry in ClinVar:

NM_000059.4(BRCA2):c.8674A>G (p.Arg2892Gly)

Gene: BRCA2 (BRCA2 DNA repair associated; plus strand). Cytogenetic location: 13q13.1.
Variant type: single nucleotide variant.
Coding change: c.8674A>G on transcript NM_000059.4 (MANE Select); coding-DNA position 8674, A replaced by G.
Protein change: p.Arg2892Gly; replaces arginine 2892 with glycine.
Molecular consequence: missense variant. On other transcripts: non-coding transcript variant (1).
Genome position (GRCh38, 1-based): chr13:32,376,711, A>G. VCF-style: chr13-32376711-A-G. GRCh37 (hg19) VCF-style: chr13-32950848-A-G.
Other names: c.8578A>G, p.Arg2860Gly (NM_001406719.1); c.8674A>G, p.Arg2892Gly (NM_001406720.1); c.3742A>G, p.Arg1248Gly (NM_001406721.1); c.2257A>G, p.Arg753Gly (NM_001406722.1); short protein forms R1248G, R2860G, R2892G, R753G.
Identifiers: ClinVar variation 2451501 (VCV002451501.2), dbSNP rs2137612726, ClinGen allele CA387754749.
Genomic context (GRCh38, chr13:32,376,711, plus strand): 5'-AATCCTTTTGTTTTCTTAGAAAACACAACAAAACCATATTTACCATCACGTGCACTAACA[A>G]GACAGCAAGTTCGTGCTTTGCAAGATGGTGCAGAGCTTTATGAAGCAGTGAAGAATGCAG-3'
Protein context (NP_000050.3, residues 2882-2902): KPYLPSRALT[Arg2892Gly]QQVRALQDGA

ClinVar aggregate classification (germline): Uncertain significance (1 of 4 stars; one submission).

Conditions:
Hereditary cancer-predisposing syndrome. Also called: Neoplastic Syndromes, Hereditary; Tumor predisposition; Hereditary neoplastic syndrome; Hereditary Cancer Syndrome. Identifiers: Orphanet 140162, MedGen C0027672, MeSH D009386, MONDO:0015356.

Submission:

Ambry Genetics
Classification: Uncertain significance for Hereditary cancer-predisposing syndrome. Last evaluated: 2022-12-02. Review status: criteria provided, single submitter. Criteria: Ambry Variant Classification Scheme 2023. Collection method: clinical testing. Allele origin: germline.
Comment: The p.R2892G variant (also known as c.8674A>G), located in coding exon 20 of the BRCA2 gene, results from an A to G substitution at nucleotide position 8674. The arginine at codon 2892 is replaced by glycine, an amino acid with dissimilar properties. This amino acid position is well conserved in available vertebrate species. In addition, the in silico prediction for this alteration is inconclusive. Since supporting evidence is limited at this time, the clinical significance of this alteration remains unclear.